The following is an entry in ClinVar:

ClinVar aggregate classification (germline): Uncertain significance (1 of 4 stars; one submission).

Allele frequency attached by ClinVar (database versions not stated): ExAC 0.00002; gnomAD exomes 0.00002; TOPMed 0.00002; gnomAD 0.00003.
gnomAD v4.1: 40 of 1,614,080 alleles (0.0025%); highest among the groups gnomAD compares: African/African-American, 0.0067%; no homozygotes.

Submission:

Labcorp Genetics (formerly Invitae), Labcorp
Classification: Uncertain significance. Last evaluated: 2022-07-22. Review status: criteria provided, single submitter. Criteria: Invitae Variant Classification Sherloc (09022015). Collection method: clinical testing. Allele origin: germline.
Comment: In summary, the available evidence is currently insufficient to determine the role of this variant in disease. Therefore, it has been classified as a Variant of Uncertain Significance. Algorithms developed to predict the effect of missense changes on protein structure and function are either unavailable or do not agree on the potential impact of this missense change (SIFT: "Deleterious"; PolyPhen-2: "Probably Damaging"; Align-GVGD: "Class C0"). This variant has not been reported in the literature in individuals affected with CNTNAP1-related conditions. This variant is present in population databases (rs768384591, gnomAD 0.003%). This sequence change replaces proline, which is neutral and non-polar, with leucine, which is neutral and non-polar, at codon 1046 of the CNTNAP1 protein (p.Pro1046Leu).

NM_003632.3(CNTNAP1):c.3137C>T (p.Pro1046Leu)

Gene: CNTNAP1 (contactin associated protein 1; plus strand). Cytogenetic location: 17q21.2.
Variant type: single nucleotide variant.
Coding change: c.3137C>T on transcript NM_003632.3 (MANE Select); coding-DNA position 3137, C replaced by T.
Protein change: p.Pro1046Leu; replaces proline 1046 with leucine.
Molecular consequence: missense variant.
Genome position (GRCh38, 1-based): chr17:42,695,665, C>T. VCF-style: chr17-42695665-C-T. GRCh37 (hg19) VCF-style: chr17-40847683-C-T.
Other names: short protein forms P1046L.
Identifiers: ClinVar variation 2190457 (VCV002190457.4), dbSNP rs768384591, ClinGen allele CA8582245.